The following is an entry in ClinVar:

NM_001277313.2(FMN1):c.1311A>T (p.Lys437Asn)

Gene: FMN1 (formin 1; minus strand). Cytogenetic location: 15q13.3.
Variant type: single nucleotide variant.
Coding change: c.1311A>T on transcript NM_001277313.2 (MANE Select); coding-DNA position 1311, A replaced by T.
Protein change: p.Lys437Asn; replaces lysine 437 with asparagine.
Molecular consequence: missense variant.
Genome position (GRCh38, 1-based): chr15:33,153,604, T>A on the plus strand (A>T on the coding strand, the complement: FMN1 is on the minus strand). VCF-style: chr15-33153604-T-A. GRCh37 (hg19) VCF-style: chr15-33445805-T-A.
Other names: c.1311A>T, p.Lys437Asn (NM_001277314.2); short protein forms K437N.
Identifiers: ClinVar variation 2062572 (VCV002062572.4), dbSNP rs1404906482, ClinGen allele CA391908380.

ClinVar aggregate classification (germline): Uncertain significance (1 of 4 stars; one submission).

Allele frequency attached by ClinVar (database versions not stated): gnomAD exomes 0.00001.
gnomAD v4.1: 9 of 1,536,184 alleles (0.00059%); highest among the groups gnomAD compares: South Asian, 0.011%; no homozygotes.

Submission:

Labcorp Genetics (formerly Invitae), Labcorp
Classification: Uncertain significance. Last evaluated: 2024-12-16. Review status: criteria provided, single submitter. Criteria: Invitae Variant Classification Sherloc (09022015). Collection method: clinical testing. Allele origin: germline.
Comment: The FMN1 gene has multiple clinically relevant transcripts. This variant occurs in alternate transcript NM_001277314.1, and corresponds to NM_001103184.3: c.-85720A>T in the primary transcript. This sequence change replaces lysine, which is basic and polar, with asparagine, which is neutral and polar, at codon 437 of the FMN1 protein (p.Lys437Asn). This variant is present in population databases (no rsID available, gnomAD 0.004%). This variant has not been reported in the literature in individuals affected with FMN1-related conditions. Experimental studies and prediction algorithms are not available or were not evaluated, and the functional significance of this variant is currently unknown. In summary, the available evidence is currently insufficient to determine the role of this variant in disease. Therefore, it has been classified as a Variant of Uncertain Significance.